The following is an entry in ClinVar:

ClinVar aggregate classification (germline): Uncertain significance (1 of 4 stars; one submission).

Allele frequency attached by ClinVar (database versions not stated): gnomAD 0.00001; gnomAD exomes 0.00001 and 0.00002; TOPMed 0.00002; ExAC 0.00003.

Submission:

Labcorp Genetics (formerly Invitae), Labcorp
Classification: Uncertain significance. Last evaluated: 2025-04-02. Review status: criteria provided, single submitter. Criteria: Invitae Variant Classification Sherloc (09022015). Collection method: clinical testing. Allele origin: germline.
Comment: This sequence change replaces methionine, which is neutral and non-polar, with valine, which is neutral and non-polar, at codon 1871 of the MYO18B protein (p.Met1871Val). This variant is present in population databases (rs750262131, gnomAD 0.004%). This variant has not been reported in the literature in individuals affected with MYO18B-related conditions. ClinVar contains an entry for this variant (Variation ID: 1478758). An algorithm developed to predict the effect of missense changes on protein structure and function outputs the following: PolyPhen-2: "Benign". The valine amino acid residue is found in multiple mammalian species, which suggests that this missense change does not adversely affect protein function. In summary, the available evidence is currently insufficient to determine the role of this variant in disease. Therefore, it has been classified as a Variant of Uncertain Significance.

NM_032608.7(MYO18B):c.5611A>G (p.Met1871Val)

Gene: MYO18B (myosin XVIIIB; plus strand). Cytogenetic location: 22q12.1.
Variant type: single nucleotide variant.
Coding change: c.5611A>G on transcript NM_032608.7 (MANE Select); coding-DNA position 5611, A replaced by G.
Protein change: p.Met1871Val; replaces methionine 1871 with valine.
Molecular consequence: missense variant.
Genome position (GRCh38, 1-based): chr22:25,946,230, A>G. VCF-style: chr22-25946230-A-G. GRCh37 (hg19) VCF-style: chr22-26342196-A-G.
Other names: c.5614A>G, p.Met1872Val (NM_001318245.2); short protein forms M1871V, M1872V.
Identifiers: ClinVar variation 1478758 (VCV001478758.4), dbSNP rs750262131, ClinGen allele CA10161212.